The following is an entry in ClinVar:

ClinVar aggregate classification (germline): Uncertain significance. Review status: criteria provided, multiple submitters, no conflicts (2 of 4 stars). 2 submissions from 2 submitters: Uncertain significance (2). Last evaluated 2026-01-06.

Conditions:
Hereditary nonpolyposis colorectal neoplasms. Identifiers: MedGen C0009405, MeSH D003123.
Hereditary cancer-predisposing syndrome. Also called: Tumor predisposition; Hereditary Cancer Syndrome; Hereditary neoplastic syndrome; Neoplastic Syndromes, Hereditary. Identifiers: Orphanet 140162, MedGen C0027672, MeSH D009386, MONDO:0015356.

Submissions (2):

Ambry Genetics
Classification: Uncertain significance for Hereditary cancer-predisposing syndrome. Last evaluated: 2026-01-06. Review status: criteria provided, single submitter. Criteria: Ambry Variant Classification Scheme 2023. Collection method: clinical testing. Allele origin: germline.
Comment: The p.R922P variant (also known as c.2765G>C), located in coding exon 4 of the MSH6 gene, results from a G to C substitution at nucleotide position 2765. The arginine at codon 922 is replaced by proline, an amino acid with dissimilar properties. This amino acid position is conserved. In addition, this alteration is predicted to be deleterious by in silico analysis. Based on the available evidence, the clinical significance of this variant remains unclear.

Labcorp Genetics (formerly Invitae), Labcorp
Classification: Uncertain significance for Hereditary nonpolyposis colorectal neoplasms. Last evaluated: 2024-09-17. Review status: criteria provided, single submitter. Criteria: Invitae Variant Classification Sherloc (09022015). Collection method: clinical testing. Allele origin: germline.
Comment: This sequence change replaces arginine, which is basic and polar, with proline, which is neutral and non-polar, at codon 922 of the MSH6 protein (p.Arg922Pro). This variant is not present in population databases (gnomAD no frequency). This variant has not been reported in the literature in individuals affected with MSH6-related conditions. Invitae Evidence Modeling of protein sequence and biophysical properties (such as structural, functional, and spatial information, amino acid conservation, physicochemical variation, residue mobility, and thermodynamic stability) has been performed for this missense variant. However, the output from this modeling did not meet the statistical confidence thresholds required to predict the impact of this variant on MSH6 protein function. In summary, the available evidence is currently insufficient to determine the role of this variant in disease. Therefore, it has been classified as a Variant of Uncertain Significance.

NM_000179.3(MSH6):c.2765G>C (p.Arg922Pro)

Gene: MSH6 (mutS homolog 6; plus strand). Cytogenetic location: 2p16.3.
Variant type: single nucleotide variant.
Coding change: c.2765G>C on transcript NM_000179.3 (MANE Select); coding-DNA position 2765, G replaced by C.
Protein change: p.Arg922Pro; replaces arginine 922 with proline.
Molecular consequence: missense variant. On other transcripts: non-coding transcript variant (5), intron variant (2).
Genome position (GRCh38, 1-based): chr2:47,800,748, G>C. VCF-style: chr2-47800748-G-C. GRCh37 (hg19) VCF-style: chr2-48027887-G-C.
Other names: c.2375G>C, p.Arg792Pro (NM_001281492.2); c.1859G>C, p.Arg620Pro (NM_001281493.2, NM_001281494.2, NM_001406811.1 and 6 more transcripts); c.2861G>C, p.Arg954Pro (NM_001406795.1, NM_001406802.1); c.2765G>C, p.Arg922Pro (NM_001406796.1, NM_001406798.1, NM_001406800.1 and 2 more transcripts); c.2468G>C, p.Arg823Pro (NM_001406797.1, NM_001406801.1, NM_001406805.1 and 10 more transcripts); c.2240G>C, p.Arg747Pro (NM_001406799.1, NM_001406806.1, NM_001406807.1); c.2687G>C, p.Arg896Pro (NM_001406804.1); c.2771G>C, p.Arg924Pro (NM_001406813.1); and 4 more; short protein forms R823P, R896P, R866P, R922P, R237P, R747P, R792P, R620P.
Identifiers: ClinVar variation 2731614 (VCV002731614.4), dbSNP rs752839086, ClinGen allele CA346755449.